The following is an entry in ClinVar:

ClinVar aggregate classification (germline): Uncertain significance (1 of 4 stars; one submission).

Conditions:
Malignant hyperthermia, susceptibility to, 5 (MHS5). Also called: CACNA1S-Related Malignant Hyperthermia Susceptibility. Identifiers: Orphanet 423, MedGen C1866077, MONDO:0011163, OMIM 601887.

Submission:

All of Us Research Program, National Institutes of Health
Classification: Uncertain significance for Malignant hyperthermia, susceptibility to, 5. Last evaluated: 2023-03-28. Review status: criteria provided, single submitter. Criteria: ACMG Guidelines, 2015. Collection method: clinical testing. Allele origin: germline. Inheritance: Autosomal dominant inheritance. Observed: 1 variant allele, 1 heterozygote.
Comment: This study involves interpretation of variants in research participants for the purpose of population health screening. Participant phenotype was not available at the time of variant classification. Additional details can be found in publication PMID: 35346344, PMCID: PMC8962531

NM_000069.3(CACNA1S):c.5422A>G (p.Met1808Val)

Gene: CACNA1S (calcium voltage-gated channel subunit alpha1 S; minus strand). Cytogenetic location: 1q32.1.
Variant type: single nucleotide variant.
Coding change: c.5422A>G on transcript NM_000069.3 (MANE Select); coding-DNA position 5422, A replaced by G.
Protein change: p.Met1808Val; replaces methionine 1808 with valine.
Molecular consequence: missense variant.
Genome position (GRCh38, 1-based): chr1:201,040,031, T>C on the plus strand (A>G on the coding strand, the complement: CACNA1S is on the minus strand). VCF-style: chr1-201040031-T-C. GRCh37 (hg19) VCF-style: chr1-201009159-T-C.
Other names: short protein forms M1808V.
Identifiers: ClinVar variation 3069963 (VCV003069963.1), dbSNP rs2464387401, ClinGen allele CA344129599.